The following is an entry in ClinVar:

NM_006180.6(NTRK2):c.1397-49532A>G

Gene: NTRK2 (neurotrophic receptor tyrosine kinase 2; plus strand). Cytogenetic location: 9q21.33.
Variant type: single nucleotide variant.
Coding change: c.1397-49532A>G on transcript NM_006180.6 (MANE Select); 49532 bases into the intron before coding-DNA position 1397, A replaced by G.
Molecular consequence: intron variant. On other transcripts: 3 prime UTR variant (16).
Genome position (GRCh38, 1-based): chr9:84,811,508, A>G. VCF-style: chr9-84811508-A-G. GRCh37 (hg19) VCF-style: chr9-87426423-A-G.
Other names: c.*929A>G (NM_001007097.3, NM_001291937.2, NM_001369539.1 and 12 more transcripts); c.*1000A>G (NM_001369547.1); c.1397-55735A>G (NM_001369532.1, NM_001369533.1, NM_001018066.3 and 2 more transcripts); c.1397-49532A>G (NM_001369537.1, NM_001018065.2); c.1361-55735A>G (NM_001369534.1); c.929-49532A>G (NM_001369536.1); c.929-55735A>G (NM_001369535.1).
Identifiers: ClinVar variation 3771856 (VCV003771856.13).

ClinVar aggregate classification (germline): Benign (1 of 4 stars; one submission).

gnomAD v4.1: 308 of 1,065,566 alleles (0.029%); highest among the groups gnomAD compares: African/African-American, 0.47%; 2 homozygotes.

Submission:

CeGaT Center for Human Genetics Tuebingen
Classification: Benign. Last evaluated: 2026-08-01. Review status: criteria provided, single submitter. Criteria: CeGaT Center For Human Genetics Tuebingen Variant Classification Criteria Version 2. Collection method: clinical testing. Allele origin: germline. Affected: yes. Observed: 2 variant alleles.
Comment: NTRK2: BS1, BS2